The following is an entry in ClinVar:

ClinVar aggregate classification (germline): Benign (0 of 4 stars; one submission).

Conditions:
KCNQ1-related disorder. Also called: KCNQ1-related condition; KCNQ1-related disorders. Identifiers: MedGen CN239322.

Allele frequency attached by ClinVar (database versions not stated): gnomAD exomes 0.00598; gnomAD 0.04763; 1000 Genomes Project 0.05092; 1000 Genomes Project 30x 0.05262; TOPMed 0.05440.
gnomAD v4.1: 8,859 of 401,016 alleles (2.2%); highest among the groups gnomAD compares: African/African-American, 16%; 682 homozygotes.

Submission:

PreventionGenetics, part of Exact Sciences
Classification: Benign for KCNQ1-related condition. Last evaluated: 2019-08-12. Review status: no assertion criteria provided. Collection method: clinical testing. Allele origin: germline.
Comment: This variant is classified as benign based on ACMG/AMP sequence variant interpretation guidelines (Richards et al. 2015 PMID: 25741868, with internal and published modifications).

NM_000218.3(KCNQ1):c.1394-661A>G

Genes: KCNQ1 (potassium voltage-gated channel subfamily Q member 1; plus strand), KCNQ1OT1 (KCNQ1 opposite strand/antisense transcript 1; minus strand). Cytogenetic location: 11p15.5.
Variant type: single nucleotide variant.
Coding change: c.1394-661A>G on transcript NM_000218.3 (MANE Select); 661 bases into the intron before coding-DNA position 1394, A replaced by G.
Molecular consequence: intron variant. On other transcripts: non-coding transcript variant (1).
Genome position (GRCh38, 1-based): chr11:2,661,300, A>G. VCF-style: chr11-2661300-A-G. GRCh37 (hg19) VCF-style: chr11-2682530-A-G.
Other names: c.1124-661A>G (NM_001406837.1); c.1298-661A>G (NM_001406836.1); c.854-661A>G (NM_001406838.1); c.1013-661A>G (NM_181798.2).
Identifiers: ClinVar variation 3039068 (VCV003039068.2), dbSNP rs11820621, ClinGen allele CA216170044.